The following is an entry in ClinVar:

NM_001367871.1(FBRSL1):c.1941G>A (p.Gly647=)

Gene: FBRSL1 (fibrosin like 1; plus strand). Cytogenetic location: 12q24.33.
Variant type: single nucleotide variant.
Coding change: c.1941G>A on transcript NM_001367871.1 (MANE Select); coding-DNA position 1941, G replaced by A.
Protein change: p.Gly647=; no amino-acid change (glycine 647 retained).
Molecular consequence: synonymous variant.
Genome position (GRCh38, 1-based): chr12:132,581,769, G>A. VCF-style: chr12-132581769-G-A. GRCh37 (hg19) VCF-style: chr12-133158355-G-A.
Other names: c.2070G>A, p.Gly690= (NM_001142641.2); c.1995G>A, p.Gly665= (NM_001382739.1); c.1320G>A, p.Gly440= (NM_001382740.1).
Identifiers: ClinVar variation 3771353 (VCV003771353.13).

ClinVar aggregate classification (germline): Likely benign (1 of 4 stars; one submission).

gnomAD v4.1: 24 of 1,549,886 alleles (0.0015%); highest among the groups gnomAD compares: Non-Finnish European, 0.0021%; 1 homozygote.

Submission:

CeGaT Center for Human Genetics Tuebingen
Classification: Likely benign. Last evaluated: 2025-02-01. Review status: criteria provided, single submitter. Criteria: CeGaT Center For Human Genetics Tuebingen Variant Classification Criteria Version 2. Collection method: clinical testing. Allele origin: germline. Affected: yes. Observed: 1 variant allele.
Comment: FBRSL1: BP4, BP7